The following is an entry in ClinVar:

NM_015272.5(RPGRIP1L):c.3448C>T (p.Arg1150Trp)

Gene: RPGRIP1L (RPGRIP1 like; minus strand). Cytogenetic location: 16q12.2.
Variant type: single nucleotide variant.
Coding change: c.3448C>T on transcript NM_015272.5 (MANE Select); coding-DNA position 3448, C replaced by T.
Protein change: p.Arg1150Trp; replaces arginine 1150 with tryptophan.
Molecular consequence: missense variant.
Genome position (GRCh38, 1-based): chr16:53,619,193, G>A on the plus strand (C>T on the coding strand, the complement: RPGRIP1L is on the minus strand). VCF-style: chr16-53619193-G-A. GRCh37 (hg19) VCF-style: chr16-53653105-G-A.
Other names: c.3208C>T, p.Arg1070Trp (NM_001127897.4); c.3310C>T, p.Arg1104Trp (NM_001308334.3); c.3346C>T, p.Arg1116Trp (NM_001330538.2); short protein forms R1070W, R1104W, R1116W, R1150W.
Identifiers: ClinVar variation 1054405 (VCV001054405.5), dbSNP rs750930363, ClinGen allele CA8057281.
Genomic context (GRCh38, chr16:53,619,193, plus strand): 5'-GGATAGTGTCATCCATGGTTACTTGAGAATCATTAAGGCTTAGAGCTATGATCTCAATCC[G>A]AATTTTTTCTGATGGCTGTTTAAAGAGCAAAAACAAAAAACAACAAAGAAATAAAATAAT-3'
Protein context (NP_056087.2, residues 1140-1160): CHHTQPSEKI[Arg1150Trp]IEIIALSLND

ClinVar aggregate classification (germline): Uncertain significance. Review status: criteria provided, multiple submitters, no conflicts (2 of 4 stars). 4 submissions from 4 submitters: Uncertain significance (3). 1 of the submissions does not count toward it. Last evaluated 2023-02-13.

Conditions:
Meckel-Gruber syndrome. Also called: Dysencephalia splachnocystica; GRUBER SYNDROME; DYSENCEPHALIA SPLANCHNOCYSTICA. Identifiers: Orphanet 564, MedGen C0265215, MONDO:0018921.
Joubert syndrome. Also called: JOUBERT-BOLTSHAUSER SYNDROME; Familial aplasia of the vermis. Identifiers: Orphanet 475, MedGen C5979921, MONDO:0018772.
Meckel syndrome, type 5 (MKS5). Identifiers: Orphanet 564, MedGen C1969052, MONDO:0012695, OMIM 611561.
COACH syndrome 3. Identifiers: MedGen C5436841, MONDO:0030862, OMIM 619113.
Joubert syndrome 7 (JBTS7). Identifiers: Orphanet 220497, MedGen C1969053, MONDO:0012694, OMIM 611560.

Allele frequency attached by ClinVar (database versions not stated): gnomAD 0.00004; TOPMed 0.00005.
gnomAD v4.1: 17 of 1,613,072 alleles (0.0011%); highest among the groups gnomAD compares: African/African-American, 0.015%; no homozygotes.

Submissions (4):

Blueprint Genetics
Classification: Uncertain significance. Last evaluated: 2023-02-13. Review status: criteria provided, single submitter. Criteria: ACMG Guidelines, 2015. Collection method: clinical testing. Allele origin: germline.

Labcorp Genetics (formerly Invitae), Labcorp
Classification: Uncertain significance for Joubert syndrome; Meckel-Gruber syndrome. Last evaluated: 2022-07-06. Review status: criteria provided, single submitter. Criteria: Invitae Variant Classification Sherloc (09022015). Collection method: clinical testing. Allele origin: germline.
Comment: This sequence change replaces arginine, which is basic and polar, with tryptophan, which is neutral and slightly polar, at codon 1150 of the RPGRIP1L protein (p.Arg1150Trp). This variant is present in population databases (rs750930363, gnomAD 0.007%). This variant has not been reported in the literature in individuals affected with RPGRIP1L-related conditions. ClinVar contains an entry for this variant (Variation ID: 1054405). Algorithms developed to predict the effect of missense changes on protein structure and function are either unavailable or do not agree on the potential impact of this missense change (SIFT: "Deleterious"; PolyPhen-2: "Probably Damaging"; Align-GVGD: "Class C0"). In summary, the available evidence is currently insufficient to determine the role of this variant in disease. Therefore, it has been classified as a Variant of Uncertain Significance.

Fulgent Genetics
Classification: Uncertain significance for Joubert syndrome 7; Meckel syndrome, type 5; COACH syndrome 3. Last evaluated: 2022-03-17. Review status: criteria provided, single submitter. Criteria: ACMG Guidelines, 2015. Collection method: clinical testing. Allele origin: unknown.

Natera, Inc.
Classification: Uncertain significance for Joubert syndrome. Last evaluated: 2020-03-17. Review status: no assertion criteria provided. Collection method: clinical testing. Allele origin: germline. Not counted in ClinVar's aggregate classification.